The following is an entry in ClinVar:

NM_031427.4(DNAL1):c.532+11C>T

Gene: DNAL1 (dynein axonemal light chain 1; plus strand). Cytogenetic location: 14q24.3.
Variant type: single nucleotide variant.
Coding change: c.532+11C>T on transcript NM_031427.4 (MANE Select); 11 bases into the intron after coding-DNA position 532, C replaced by T.
Molecular consequence: intron variant.
Genome position (GRCh38, 1-based): chr14:73,689,526, C>T. VCF-style: chr14-73689526-C-T. GRCh37 (hg19) VCF-style: chr14-74156229-C-T.
Other names: c.415+11C>T (NM_001201366.2).
Identifiers: ClinVar variation 163172 (VCV000163172.15), dbSNP rs72721725, ClinGen allele CA175833.
Genomic context (GRCh38, chr14:73,689,526, plus strand): 5'-CTGGATTGAAGAAGCAACCAAGAGAGTGCCCAAACTGAAAAAGCTGGATGGTGAGTGATT[C>T]TGAGCTGGCTTAGACATATCTTCTAGGCATAAAAATGGAATTTGTGGCATGGAATCATGA-3'

ClinVar aggregate classification (germline): Benign. Review status: criteria provided, multiple submitters, no conflicts (2 of 4 stars). 6 submissions from 6 submitters: Benign (6). Last evaluated 2026-02-03.

Conditions:
Primary ciliary dyskinesia 16. Also called: CILIARY DYSKINESIA, PRIMARY, 16, WITH OR WITHOUT SITUS INVERSUS. Identifiers: Orphanet 244, MedGen C3151460, MONDO:0013525, OMIM 614017.

Allele frequency attached by ClinVar (database versions not stated): 1000 Genomes Project 30x 0.03264; 1000 Genomes Project 0.03295; gnomAD 0.04577 and 0.04594; TOPMed 0.04605; ESP Exome Variant Server 0.04809.
gnomAD v4.1: 95,186 of 1,586,552 alleles (6%); highest among the groups gnomAD compares: Middle Eastern, 12%; 3,111 homozygotes.

Submissions (6):

Labcorp Genetics (formerly Invitae), Labcorp
Classification: Benign for Primary ciliary dyskinesia 16. Last evaluated: 2026-02-03. Review status: criteria provided, single submitter. Criteria: Invitae Variant Classification Sherloc (09022015). Collection method: clinical testing. Allele origin: germline.

Blueprint Genetics
Classification: Benign. Last evaluated: 2024-11-27. Review status: criteria provided, single submitter. Criteria: ACMG Guidelines, 2015. Collection method: clinical testing. Allele origin: germline.

GeneDx
Classification: Benign. Last evaluated: 2018-11-10. Review status: criteria provided, single submitter. Criteria: GeneDx Variant Classification Process June 2021. Collection method: clinical testing. Allele origin: germline. Affected: yes.

Laboratory for Molecular Medicine, Mass General Brigham Personalized Medicine
Classification: Benign. Last evaluated: 2013-02-21. Review status: criteria provided, single submitter. Criteria: LMM Criteria. Collection method: clinical testing. Allele origin: germline. Observed: 16 variant alleles.
Comment: 415+11C>T in intron 8 of DNAL1: This variant is not expected to have clinical si gnificance because it is not located within the conserved splice consensus seque nce. It has been identified in 6.5% (537/8256) of European American chromosomes from a broad population by the NHLBI Exome Sequencing Project (dbSNP rs72721725).

Breakthrough Genomics
Classification: Benign. Review status: criteria provided, single submitter. Criteria: ACMG Guidelines, 2015. Collection method: not provided. Allele origin: germline. Inheritance: Autosomal recessive inheritance. Affected: yes.

PreventionGenetics, part of Exact Sciences
Classification: Benign. Review status: criteria provided, single submitter. Criteria: ACMG Guidelines, 2015. Collection method: clinical testing. Allele origin: germline.